The following is an entry in ClinVar:

ClinVar aggregate classification (germline): Uncertain significance. Review status: criteria provided, multiple submitters, no conflicts (2 of 4 stars). 3 submissions from 3 submitters: Uncertain significance (3). Last evaluated 2025-08-28.

Allele frequency attached by ClinVar (database versions not stated): gnomAD exomes 0.00001; ExAC 0.00002; TOPMed 0.00002; gnomAD 0.00003.
gnomAD v4.1: 12 of 1,613,898 alleles (0.00074%); highest among the groups gnomAD compares: Admixed American, 0.0067%; no homozygotes.

Submissions (3):

Ambry Genetics
Classification: Uncertain significance. Last evaluated: 2025-08-28. Review status: criteria provided, single submitter. Criteria: Ambry Variant Classification Scheme 2023. Collection method: clinical testing. Allele origin: germline.

GeneDx
Classification: Uncertain significance. Last evaluated: 2023-09-20. Review status: criteria provided, single submitter. Criteria: GeneDx Variant Classification Process June 2021. Collection method: clinical testing. Allele origin: germline. Affected: yes.
Comment: In silico analysis supports that this missense variant has a deleterious effect on protein structure/function; Has not been previously published as pathogenic or benign to our knowledge; Variants in candidate genes are classified as variants of uncertain significance in accordance with ACMG guidelines (Richards et al., 2015)

Blueprint Genetics
Classification: Uncertain significance. Last evaluated: 2023-09-08. Review status: criteria provided, single submitter. Criteria: ACMG Guidelines, 2015. Collection method: clinical testing. Allele origin: germline.

NM_000631.5(NCF4):c.173G>A (p.Arg58His)

Genes: NCF4 (neutrophil cytosolic factor 4; plus strand), NCF4-AS1 (NCF4 antisense RNA 1; minus strand). Cytogenetic location: 22q12.3.
Variant type: single nucleotide variant.
Coding change: c.173G>A on transcript NM_000631.5 (MANE Select); coding-DNA position 173, G replaced by A.
Protein change: p.Arg58His; replaces arginine 58 with histidine.
Molecular consequence: missense variant.
Genome position (GRCh38, 1-based): chr22:36,864,974, G>A. VCF-style: chr22-36864974-G-A. GRCh37 (hg19) VCF-style: chr22-37261016-G-A.
Other names: c.173G>A, p.Arg58His (NM_013416.4); short protein forms R58H.
Identifiers: ClinVar variation 2461206 (VCV002461206.5), dbSNP rs763314327, ClinGen allele CA10212882.